The following is an entry in ClinVar:

NM_024598.4(USB1):c.301G>A (p.Val101Met)

Gene: USB1 (U6 snRNA biogenesis phosphodiesterase 1; plus strand). Cytogenetic location: 16q21.
Variant type: single nucleotide variant.
Coding change: c.301G>A on transcript NM_024598.4 (MANE Select); coding-DNA position 301, G replaced by A.
Protein change: p.Val101Met; replaces valine 101 with methionine.
Molecular consequence: missense variant.
Genome position (GRCh38, 1-based): chr16:58,009,964, G>A. VCF-style: chr16-58009964-G-A. GRCh37 (hg19) VCF-style: chr16-58043868-G-A.
Other names: c.301G>A, p.Val101Met (NM_001195302.2, NM_001204911.2, NM_001330569.2); c.148G>A, p.Val50Met (NM_001330568.2); short protein forms V50M, V101M.
Identifiers: ClinVar variation 3978143 (VCV003978143.1).

ClinVar aggregate classification (germline): Uncertain significance (1 of 4 stars; one submission).

Conditions:
Inborn genetic diseases. Identifiers: MedGen C0950123, MeSH D030342.

gnomAD v4.1: 9 of 1,613,956 alleles (0.00056%); highest among the groups gnomAD compares: African/African-American, 0.0013%; no homozygotes.

Submission:

Ambry Genetics
Classification: Uncertain significance for Inborn genetic diseases. Last evaluated: 2025-03-29. Review status: criteria provided, single submitter. Criteria: Ambry Variant Classification Scheme 2023. Collection method: clinical testing. Allele origin: germline.
Comment: The p.V101M variant (also known as c.301G>A), located in coding exon 3 of the USB1 gene, results from a G to A substitution at nucleotide position 301. The valine at codon 101 is replaced by methionine, an amino acid with highly similar properties. This amino acid position is conserved. In addition, this alteration is predicted to be tolerated by in silico analysis. Based on the available evidence, the clinical significance of this variant remains unclear.